The following is an entry in ClinVar:

ClinVar aggregate classification (germline): Uncertain significance (1 of 4 stars; one submission).

Conditions:
Hereditary cancer-predisposing syndrome. Also called: Hereditary Cancer Syndrome; Hereditary neoplastic syndrome; Neoplastic Syndromes, Hereditary; Tumor predisposition. Identifiers: Orphanet 140162, MedGen C0027672, MeSH D009386, MONDO:0015356.

Allele frequency attached by ClinVar (database versions not stated): gnomAD exomes below 0.00001.
gnomAD v4.1: 1 of 1,614,178 alleles (0.000062%); highest among the groups gnomAD compares: South Asian, 0.0011%; no homozygotes.

Submission:

Sema4
Classification: Uncertain significance for Hereditary cancer-predisposing syndrome. Last evaluated: 2021-11-26. Review status: criteria provided, single submitter. Criteria: Sema4 Curation Guidelines. Collection method: curation. Allele origin: germline.
Comment: The FANCM c.5093A>T (p.N1698I) variant has not been reported in the literature to our knowledge. It was not observed in the Genome Aggregation Database (PMID: 32461654). This variant has not been reported in ClinVar. Functional studies have not been performed, and in silico predictions of the variant's effect on protein function are inconclusive. The evidence is insufficient to meet ACMG/AMP criteria for classifying the variant as benign or pathogenic. Thus, the clinical significance of this variant is currently uncertain.

NM_020937.4(FANCM):c.5093A>T (p.Asn1698Ile)

Gene: FANCM (FA complementation group M; plus strand). Cytogenetic location: 14q21.2.
Variant type: single nucleotide variant.
Coding change: c.5093A>T on transcript NM_020937.4 (MANE Select); coding-DNA position 5093, A replaced by T.
Protein change: p.Asn1698Ile; replaces asparagine 1698 with isoleucine.
Molecular consequence: missense variant.
Genome position (GRCh38, 1-based): chr14:45,189,115, A>T. VCF-style: chr14-45189115-A-T. GRCh37 (hg19) VCF-style: chr14-45658318-A-T.
Other names: c.5015A>T, p.Asn1672Ile (NM_001308133.2); short protein forms N1672I, N1698I.
Identifiers: ClinVar variation 1691903 (VCV001691903.1), dbSNP rs2139296974, ClinGen allele CA389612378.
Genomic context (GRCh38, chr14:45,189,115, plus strand): 5'-ACAATGTAAATGATAAAAGAGAATCTAATATTGCGGTTAACCCAAGCACTGTTAAGAAGA[A>T]CAAACAACAGGACCATTGTTTAAATTCAGTGCCTTCTGGATCTTCTGCGCAGTCCAAGGT-3'
Protein context (NP_065988.1, residues 1688-1708): IAVNPSTVKK[Asn1698Ile]KQQDHCLNSV